The following is an entry in ClinVar:

NM_000350.3(ABCA4):c.1825G>C (p.Ala609Pro)

Gene: ABCA4 (ATP binding cassette subfamily A member 4; minus strand). Cytogenetic location: 1p22.1.
Variant type: single nucleotide variant.
Coding change: c.1825G>C on transcript NM_000350.3 (MANE Select); coding-DNA position 1825, G replaced by C.
Protein change: p.Ala609Pro; replaces alanine 609 with proline.
Molecular consequence: missense variant.
Genome position (GRCh38, 1-based): chr1:94,062,689, C>G on the plus strand (G>C on the coding strand, the complement: ABCA4 is on the minus strand). VCF-style: chr1-94062689-C-G. GRCh37 (hg19) VCF-style: chr1-94528245-C-G.
Other names: c.1825G>C, p.Ala609Pro (NM_001425324.1); short protein forms A609P.
Identifiers: ClinVar variation 1302942 (VCV001302942.2), dbSNP rs2101078330, ClinGen allele CA341279570.

ClinVar aggregate classification (germline): Uncertain significance (1 of 4 stars; one submission).

Submission:

GeneDx
Classification: Uncertain significance. Last evaluated: 2020-06-04. Review status: criteria provided, single submitter. Criteria: GeneDx Variant Classification Process June 2021. Collection method: clinical testing. Allele origin: germline. Affected: yes.
Comment: In silico analysis supports that this missense variant has a deleterious effect on protein structure/function